The following is an entry in ClinVar:

ClinVar aggregate classification (germline): Uncertain significance (1 of 4 stars; one submission).

gnomAD v4.1: 3 of 1,598,388 alleles (0.00019%); highest among the groups gnomAD compares: Non-Finnish European, 0.00026%; no homozygotes.

Submission:

Labcorp Genetics (formerly Invitae), Labcorp
Classification: Uncertain significance. Last evaluated: 2025-10-07. Review status: criteria provided, single submitter. Criteria: Invitae Variant Classification Sherloc (09022015). Collection method: clinical testing. Allele origin: germline.
Comment: This sequence change replaces glutamic acid, which is acidic and polar, with alanine, which is neutral and non-polar, at codon 1989 of the SCN3A protein (p.Glu1989Ala). This variant is not present in population databases (gnomAD no frequency). This variant has not been reported in the literature in individuals affected with SCN3A-related conditions. ClinVar contains an entry for this variant (Variation ID: 3625402). Invitae Evidence Modeling of protein sequence and biophysical properties (such as structural, functional, and spatial information, amino acid conservation, physicochemical variation, residue mobility, and thermodynamic stability) indicates that this missense variant is not expected to disrupt SCN3A protein function with a negative predictive value of 95%. In summary, the available evidence is currently insufficient to determine the role of this variant in disease. Therefore, it has been classified as a Variant of Uncertain Significance.

NM_006922.4(SCN3A):c.5966A>C (p.Glu1989Ala)

Gene: SCN3A (sodium voltage-gated channel alpha subunit 3; minus strand). Cytogenetic location: 2q24.3.
Variant type: single nucleotide variant.
Coding change: c.5966A>C on transcript NM_006922.4 (MANE Select); coding-DNA position 5966, A replaced by C.
Protein change: p.Glu1989Ala; replaces glutamic acid 1989 with alanine.
Molecular consequence: missense variant.
Genome position (GRCh38, 1-based): chr2:165,090,187, T>G on the plus strand (A>C on the coding strand, the complement: SCN3A is on the minus strand). VCF-style: chr2-165090187-T-G. GRCh37 (hg19) VCF-style: chr2-165946697-T-G.
Other names: c.5819A>C, p.Glu1940Ala (NM_001081676.2, NM_001081677.2); short protein forms E1940A, E1989A.
Identifiers: ClinVar variation 3625402 (VCV003625402.2).